The following is an entry in ClinVar:

NM_002439.5(MSH3):c.2993T>C (p.Ile998Thr)

Gene: MSH3 (mutS homolog 3; plus strand). Cytogenetic location: 5q14.1.
Variant type: single nucleotide variant.
Coding change: c.2993T>C on transcript NM_002439.5 (MANE Select); coding-DNA position 2993, T replaced by C.
Protein change: p.Ile998Thr; replaces isoleucine 998 with threonine.
Molecular consequence: missense variant.
Genome position (GRCh38, 1-based): chr5:80,854,309, T>C. VCF-style: chr5-80854309-T-C. GRCh37 (hg19) VCF-style: chr5-80150128-T-C.
Other names: short protein forms I998T.
Identifiers: ClinVar variation 5024807 (VCV005024807.1).

ClinVar aggregate classification (germline): Uncertain significance (1 of 4 stars; one submission).

Conditions:
Hereditary cancer-predisposing syndrome. Also called: Neoplastic Syndromes, Hereditary; Tumor predisposition; Hereditary neoplastic syndrome; Hereditary Cancer Syndrome. Identifiers: Orphanet 140162, MedGen C0027672, MeSH D009386, MONDO:0015356.

Submission:

Ambry Genetics
Classification: Uncertain significance for Hereditary cancer-predisposing syndrome. Last evaluated: 2026-07-17. Review status: criteria provided, single submitter. Criteria: Ambry Variant Classification Scheme 2023. Collection method: clinical testing. Allele origin: germline.
Comment: The p.I998T variant (also known as c.2993T>C), located in coding exon 21 of the MSH3 gene, results from a T to C substitution at nucleotide position 2993. The isoleucine at codon 998 is replaced by threonine, an amino acid with similar properties. This amino acid position is conserved. In addition, this alteration is predicted to be deleterious by in silico analysis. Based on the available evidence, the clinical significance of this variant remains unclear.